The following is an entry in ClinVar:

NM_000256.3(MYBPC3):c.2113dup (p.Thr705fs)

Gene: MYBPC3 (myosin binding protein C3; minus strand). Cytogenetic location: 11p11.2.
Variant type: Duplication.
Coding change: c.2113dup on transcript NM_000256.3 (MANE Select); coding-DNA position 2113, one base duplicated (A; older notation c.2113dupA).
Protein change: p.Thr705fs; shifts the reading frame from threonine 705.
Genome position (GRCh38, 1-based): chr11:47,339,359, T duplicated on the plus strand (A on the coding strand, the reverse complement: MYBPC3 is on the minus strand). VCF-style (leftmost placement, unchanged base first): chr11-47339358-G-GT. GRCh37 (hg19) VCF-style: chr11-47360909-G-GT.
Other names: p.Thr705AsnfsX3; c.2113dupA (NM_000256.3); short protein forms T705fs.
Identifiers: ClinVar variation 42597 (VCV000042597.12), dbSNP rs397515948, ClinGen allele CA011744.

ClinVar aggregate classification (germline): Pathogenic. Review status: criteria provided, multiple submitters, no conflicts (2 of 4 stars). 4 submissions from 4 submitters: Pathogenic (4). Last evaluated 2025-12-10.

Conditions:
Cardiovascular phenotype. Identifiers: MedGen CN230736.
Hypertrophic cardiomyopathy. Also called: HYPERTROPHIC MYOCARDIOPATHY. Identifiers: Orphanet 217569, MedGen C0007194, MeSH D002312, MONDO:0005045, HP:0001639.

Allele frequency attached by ClinVar (database versions not stated): gnomAD exomes below 0.00001; ExAC 0.00001.

Submissions (4):

Labcorp Genetics (formerly Invitae), Labcorp
Classification: Pathogenic for Hypertrophic cardiomyopathy. Last evaluated: 2025-12-10. Review status: criteria provided, single submitter. Criteria: Invitae Variant Classification Sherloc (09022015). Collection method: clinical testing. Allele origin: germline.
Comment: This sequence change creates a premature translational stop signal (p.Thr705Asnfs*3) in the MYBPC3 gene. It is expected to result in an absent or disrupted protein product. Loss-of-function variants in MYBPC3 are known to be pathogenic (PMID: 19574547). This variant is present in population databases (rs397515948, gnomAD 0.0009%). This premature translational stop signal has been observed in individual(s) with hypertrophic cardiomyopathy (PMID: 37652022). ClinVar contains an entry for this variant (Variation ID: 42597). For these reasons, this variant has been classified as Pathogenic.

GeneDx
Classification: Pathogenic. Last evaluated: 2023-10-10. Review status: criteria provided, single submitter. Criteria: GeneDx Variant Classification Process June 2021. Collection method: clinical testing. Allele origin: germline. Affected: yes.
Comment: Frameshift variant predicted to result in protein truncation or nonsense mediated decay in a gene for which loss of function is a known mechanism of disease; Not observed at significant frequency in large population cohorts (gnomAD); This variant is associated with the following publications: (PMID: 22267749, 25524337, 27532257, 18533079)

Ambry Genetics
Classification: Pathogenic for Cardiovascular phenotype. Last evaluated: 2021-06-10. Review status: criteria provided, single submitter. Criteria: Ambry General Variant Classification Scheme_2022. Collection method: clinical testing. Allele origin: germline.
Comment: The c.2113dupA pathogenic mutation, located in coding exon 22 of the MYBPC3 gene, results from a duplication of A at nucleotide position 2113, causing a translational frameshift with a predicted alternate stop codon (p.T705Nfs*3). This alteration has been reported in association with hypertrophic cardiomyopathy (HCM) (Olivotto I et al. Mayo Clin Proc, 2008 Jun;83:630-8; Page SP et al. Circ Cardiovasc Genet, 2012 Apr;5:156-66; Walsh R et al. Genet Med, 2017 02;19:192-203). In addition to the clinical data presented in the literature, this alteration is expected to result in loss of function by premature protein truncation or nonsense-mediated mRNA decay. As such, this alteration is interpreted as a disease-causing mutation.

Laboratory for Molecular Medicine, Mass General Brigham Personalized Medicine
Classification: Pathogenic for Hypertrophic cardiomyopathy. Last evaluated: 2010-09-09. Review status: criteria provided, single submitter. Criteria: LMM Criteria. Collection method: clinical testing. Allele origin: germline. Observed: 1 variant allele.
Comment: The Thr705fs variant has not been reported in the literature. This variant is p redicted to cause a frameshift, which alters the protein's amino acid sequence b eginning at codon 705 and leads to a premature stop codon two amino acids downst ream. This alteration is then predicted to lead to a truncated or absent protei n. Loss of function is an established mechanism of disease for the MYBPC3 gene, which makes it highly likely that the Thr705fs variant is pathogenic.

Literature cited by the submitters: PubMed 19574547 (cited by Labcorp Genetics (formerly Invitae), Labcorp); PubMed 37652022 (cited by Labcorp Genetics (formerly Invitae), Labcorp); PubMed 18533079 (cited by Ambry Genetics); PubMed 22267749 (cited by Ambry Genetics); PubMed 25524337 (cited by Ambry Genetics); PubMed 27532257 (cited by Ambry Genetics).